The following is an entry in ClinVar:

ClinVar aggregate classification (germline): Uncertain significance (1 of 4 stars; one submission).

gnomAD v4.1: 1 of 1,612,316 alleles (0.000062%); no homozygotes.

Submission:

Labcorp Genetics (formerly Invitae), Labcorp
Classification: Uncertain significance. Last evaluated: 2023-11-07. Review status: criteria provided, single submitter. Criteria: Invitae Variant Classification Sherloc (09022015). Collection method: clinical testing. Allele origin: germline.
Comment: This sequence change replaces serine, which is neutral and polar, with threonine, which is neutral and polar, at codon 155 of the SLC12A2 protein (p.Ser155Thr). This variant is present in population databases (no rsID available, gnomAD 0.007%). This variant has not been reported in the literature in individuals affected with SLC12A2-related conditions. Advanced modeling of protein sequence and biophysical properties (such as structural, functional, and spatial information, amino acid conservation, physicochemical variation, residue mobility, and thermodynamic stability) performed at Invitae indicates that this missense variant is not expected to disrupt SLC12A2 protein function with a negative predictive value of 95%. In summary, the available evidence is currently insufficient to determine the role of this variant in disease. Therefore, it has been classified as a Variant of Uncertain Significance.

NM_001046.3(SLC12A2):c.464G>C (p.Ser155Thr)

Gene: SLC12A2 (solute carrier family 12 member 2; plus strand). Cytogenetic location: 5q23.3.
Variant type: single nucleotide variant.
Coding change: c.464G>C on transcript NM_001046.3 (MANE Select); coding-DNA position 464, G replaced by C.
Protein change: p.Ser155Thr; replaces serine 155 with threonine.
Molecular consequence: missense variant. On other transcripts: non-coding transcript variant (1).
Genome position (GRCh38, 1-based): chr5:128,084,418, G>C. VCF-style: chr5-128084418-G-C. GRCh37 (hg19) VCF-style: chr5-127420110-G-C.
Other names: c.464G>C, p.Ser155Thr (NM_001256461.2); short protein forms S155T.
Identifiers: ClinVar variation 2982484 (VCV002982484.3), dbSNP rs1178023917, ClinGen allele CA360736546.